The following is an entry in ClinVar:

NM_007215.4(POLG2):c.994G>T (p.Val332Phe)

Genes: MILR1 (mast cell immunoglobulin like receptor 1; plus strand), POLG2 (DNA polymerase gamma 2, accessory subunit; minus strand). Cytogenetic location: 17q23.3.
Variant type: single nucleotide variant.
Coding change: c.994G>T on transcript NM_007215.4 (MANE Select); coding-DNA position 994, G replaced by T.
Protein change: p.Val332Phe; replaces valine 332 with phenylalanine.
Molecular consequence: missense variant.
Genome position (GRCh38, 1-based): chr17:64,485,844, C>A on the plus strand (G>T on the coding strand, the complement: POLG2 is on the minus strand). VCF-style: chr17-64485844-C-A. GRCh37 (hg19) VCF-style: chr17-62481961-C-A.
Other names: short protein forms V332F.
Identifiers: ClinVar variation 4770613 (VCV004770613.1).

ClinVar aggregate classification (germline): Uncertain significance (1 of 4 stars; one submission).

gnomAD v4.1: 1 of 1,613,902 alleles (0.000062%); highest among the groups gnomAD compares: African/African-American, 0.0013%; no homozygotes.

Submission:

Labcorp Genetics (formerly Invitae), Labcorp
Classification: Uncertain significance. Last evaluated: 2025-11-13. Review status: criteria provided, single submitter. Criteria: Invitae Variant Classification Sherloc (09022015). Collection method: clinical testing. Allele origin: germline.
Comment: This sequence change replaces valine, which is neutral and non-polar, with phenylalanine, which is neutral and non-polar, at codon 332 of the POLG2 protein (p.Val332Phe). This variant is not present in population databases (gnomAD no frequency). This variant has not been reported in the literature in individuals affected with POLG2-related conditions. An algorithm developed to predict the effect of missense changes on protein structure and function (PolyPhen-2) suggests that this variant is likely to be disruptive. In summary, the available evidence is currently insufficient to determine the role of this variant in disease. Therefore, it has been classified as a Variant of Uncertain Significance.